The following is an entry in ClinVar:

NC_000012.12:g.114684355A>C

Genes: TBX3 (T-box transcription factor 3; minus strand), TBX3-AS1 (TBX3 antisense RNA 1; plus strand), LOC109286556 (TBX3 promoter region; plus strand). Cytogenetic location: 12q24.21.
Variant type: single nucleotide variant.
Genome position: GRCh38 VCF-style: chr12-114684355-A-C. GRCh37 (hg19) VCF-style: chr12-115122160-A-C.
Identifiers: ClinVar variation 3355958 (VCV003355958.1).

ClinVar aggregate classification (germline): Likely benign (0 of 4 stars; one submission).

Conditions:
TBX3-related disorder. Also called: TBX3-related condition.

Submission:

PreventionGenetics, part of Exact Sciences
Classification: Likely benign for TBX3-related condition. Last evaluated: 2023-02-27. Review status: no assertion criteria provided. Collection method: clinical testing. Allele origin: germline.
Comment: This variant is classified as likely benign based on ACMG/AMP sequence variant interpretation guidelines (Richards et al. 2015 PMID: 25741868, with internal and published modifications).